The following is an entry in ClinVar:

NM_025215.6(PUS1):c.799T>G (p.Tyr267Asp)

Gene: PUS1 (pseudouridine synthase 1; plus strand). Cytogenetic location: 12q24.33.
Variant type: single nucleotide variant.
Coding change: c.799T>G on transcript NM_025215.6 (MANE Select); coding-DNA position 799, T replaced by G.
Protein change: p.Tyr267Asp; replaces tyrosine 267 with aspartic acid.
Molecular consequence: missense variant.
Genome position (GRCh38, 1-based): chr12:131,941,546, T>G. VCF-style: chr12-131941546-T-G. GRCh37 (hg19) VCF-style: chr12-132426091-T-G.
Other names: c.715T>G, p.Tyr239Asp (NM_001002019.3, NM_001002020.3); c.799T>G (NM_025215.5); short protein forms Y239D, Y267D.
Identifiers: ClinVar variation 2132175 (VCV002132175.2), dbSNP rs1386093834, ClinGen allele CA387299205.

ClinVar aggregate classification (germline): Uncertain significance. Review status: criteria provided, multiple submitters, no conflicts (2 of 4 stars). 2 submissions from 2 submitters: Uncertain significance (2). Last evaluated 2024-04-11.

Allele frequency attached by ClinVar (database versions not stated): gnomAD exomes below 0.00001; gnomAD 0.00001.
gnomAD v4.1: 2 of 1,614,102 alleles (0.00012%); highest among the groups gnomAD compares: African/African-American, 0.0027%; no homozygotes.

Submissions (2):

GeneDx
Classification: Uncertain significance. Last evaluated: 2024-04-11. Review status: criteria provided, single submitter. Criteria: GeneDx Variant Classification Process June 2021. Collection method: clinical testing. Allele origin: germline. Affected: yes.
Comment: Not observed at significant frequency in large population cohorts (gnomAD); In silico analysis indicates that this missense variant does not alter protein structure/function; Has not been previously published as pathogenic or benign to our knowledge

Labcorp Genetics (formerly Invitae), Labcorp
Classification: Uncertain significance. Last evaluated: 2022-09-12. Review status: criteria provided, single submitter. Criteria: Invitae Variant Classification Sherloc (09022015). Collection method: clinical testing. Allele origin: germline.
Comment: This sequence change replaces tyrosine, which is neutral and polar, with aspartic acid, which is acidic and polar, at codon 267 of the PUS1 protein (p.Tyr267Asp). This variant is not present in population databases (gnomAD no frequency). This variant has not been reported in the literature in individuals affected with PUS1-related conditions. Advanced modeling of protein sequence and biophysical properties (such as structural, functional, and spatial information, amino acid conservation, physicochemical variation, residue mobility, and thermodynamic stability) performed at Invitae indicates that this missense variant is not expected to disrupt PUS1 protein function. In summary, the available evidence is currently insufficient to determine the role of this variant in disease. Therefore, it has been classified as a Variant of Uncertain Significance.